The following is an entry in ClinVar:

ClinVar aggregate classification (germline): Uncertain significance. Review status: criteria provided, multiple submitters, no conflicts (2 of 4 stars). 2 submissions from 2 submitters: Uncertain significance (2). Last evaluated 2025-12-17.

Conditions:
Colorectal cancer, hereditary nonpolyposis, type 7. Identifiers: Orphanet 144, MedGen C1858380, MONDO:0013725, OMIM 614385.

Allele frequency attached by ClinVar (database versions not stated): gnomAD exomes 0.00001 and 0.00002; ExAC 0.00002; gnomAD 0.00002 and 0.00003; TOPMed 0.00003; 1000 Genomes Project 30x 0.00016; 1000 Genomes Project 0.00020.
gnomAD v4.1: 15 of 1,605,810 alleles (0.00093%); highest among the groups gnomAD compares: East Asian, 0.013%; no homozygotes.

Submissions (2):

Labcorp Genetics (formerly Invitae), Labcorp
Classification: Uncertain significance for Colorectal cancer, hereditary nonpolyposis, type 7. Last evaluated: 2025-12-17. Review status: criteria provided, single submitter. Criteria: Invitae Variant Classification Sherloc (09022015). Collection method: clinical testing. Allele origin: germline.
Comment: This sequence change replaces glutamic acid, which is acidic and polar, with lysine, which is basic and polar, at codon 1242 of the MLH3 protein (p.Glu1242Lys). This variant is present in population databases (rs116061019, gnomAD 0.01%). This missense change has been observed in individual(s) with a personal or family history of breast cancer (PMID: 35980532). ClinVar contains an entry for this variant (Variation ID: 1416284). An algorithm developed to predict the effect of missense changes on protein structure and function (PolyPhen-2) suggests that this variant is likely to be disruptive. In summary, the available evidence is currently insufficient to determine the role of this variant in disease. Therefore, it has been classified as a Variant of Uncertain Significance.

Ambry Genetics
Classification: Uncertain significance. Last evaluated: 2025-08-12. Review status: criteria provided, single submitter. Criteria: Ambry Variant Classification Scheme 2023. Collection method: clinical testing. Allele origin: germline.
Comment: The p.E1242K variant (also known as c.3724G>A), located in coding exon 7 of the MLH3 gene, results from a G to A substitution at nucleotide position 3724. The glutamic acid at codon 1242 is replaced by lysine, an amino acid with similar properties. This amino acid position is highly conserved in available vertebrate species. In addition, the in silico prediction for this alteration is inconclusive. The evidence for this gene-disease relationship is limited; therefore, the clinical significance of this alteration is unclear.

Literature cited by the submitters: PubMed 35980532 (cited by Labcorp Genetics (formerly Invitae), Labcorp).

NM_001040108.2(MLH3):c.3724G>A (p.Glu1242Lys)

Gene: MLH3 (mutL homolog 3; minus strand). Cytogenetic location: 14q24.3.
Variant type: single nucleotide variant.
Coding change: c.3724G>A on transcript NM_001040108.2 (MANE Select); coding-DNA position 3724, G replaced by A.
Protein change: p.Glu1242Lys; replaces glutamic acid 1242 with lysine.
Molecular consequence: missense variant.
Genome position (GRCh38, 1-based): chr14:75,032,171, C>T on the plus strand (G>A on the coding strand, the complement: MLH3 is on the minus strand). VCF-style: chr14-75032171-C-T. GRCh37 (hg19) VCF-style: chr14-75498874-C-T.
Other names: c.3652G>A, p.Glu1218Lys (NM_014381.3); short protein forms E1218K, E1242K.
Identifiers: ClinVar variation 1416284 (VCV001416284.9), dbSNP rs116061019, ClinGen allele CA7275339.
Genomic context (GRCh38, chr14:75,032,171, plus strand): 5'-GAGGAATTAGAGTAGAAGACAGTAATTTTTTCCGACCAGAGCCTTGTGCCTGTTGCTTCT[C>T]GTAGGAATCTATTGGCAGAAAGATGAATGGGTTAAGAGTAGGAAGGGAAGTCTTCTAGAT-3'
Protein context (NP_001035197.1, residues 1232-1252): RLEQLIIDSY[Glu1242Lys]KQQAQGSGRK